The following is an entry in ClinVar:

ClinVar aggregate classification (germline): Uncertain significance. Review status: criteria provided, multiple submitters, no conflicts (2 of 4 stars). 2 submissions from 2 submitters: Uncertain significance (2). Last evaluated 2025-06-14.

Conditions:
Neurofibromatosis, type 1 (NF1). Also called: Neurofibromatosis, type I; VON RECKLINGHAUSEN DISEASE; NEUROFIBROMATOSIS, TYPE I, SOMATIC; Peripheral type neurofibromatosis. Identifiers: Orphanet 636, MedGen C0027831, MONDO:0018975, OMIM 162200. Disease mechanism: loss of function.
Hereditary cancer-predisposing syndrome. Also called: Neoplastic Syndromes, Hereditary; Hereditary Cancer Syndrome; Hereditary neoplastic syndrome; Tumor predisposition. Identifiers: Orphanet 140162, MedGen C0027672, MeSH D009386, MONDO:0015356.
Cardiovascular phenotype. Identifiers: MedGen CN230736.

Allele frequency attached by ClinVar (database versions not stated): TOPMed below 0.00001.

Submissions (2):

Ambry Genetics
Classification: Uncertain significance for Cardiovascular phenotype; Hereditary cancer-predisposing syndrome. Last evaluated: 2025-06-14. Review status: criteria provided, single submitter. Criteria: Ambry Variant Classification Scheme 2023. Collection method: clinical testing. Allele origin: germline.
Comment: The p.Y2171C variant (also known as c.6512A>G), located in coding exon 42 of the NF1 gene, results from an A to G substitution at nucleotide position 6512. The tyrosine at codon 2171 is replaced by cysteine, an amino acid with highly dissimilar properties. This amino acid position is highly conserved in available vertebrate species. In addition, the in silico prediction for this alteration is inconclusive. Since supporting evidence is limited at this time, the clinical significance of this alteration remains unclear.

Labcorp Genetics (formerly Invitae), Labcorp
Classification: Uncertain significance for Neurofibromatosis, type 1. Last evaluated: 2024-11-03. Review status: criteria provided, single submitter. Criteria: Invitae Variant Classification Sherloc (09022015). Collection method: clinical testing. Allele origin: germline.
Comment: This sequence change replaces tyrosine, which is neutral and polar, with cysteine, which is neutral and slightly polar, at codon 2171 of the NF1 protein (p.Tyr2171Cys). This variant is not present in population databases (gnomAD no frequency). This variant has not been reported in the literature in individuals affected with NF1-related conditions. ClinVar contains an entry for this variant (Variation ID: 2153142). Invitae Evidence Modeling of protein sequence and biophysical properties (such as structural, functional, and spatial information, amino acid conservation, physicochemical variation, residue mobility, and thermodynamic stability) has been performed for this missense variant. However, the output from this modeling did not meet the statistical confidence thresholds required to predict the impact of this variant on NF1 protein function. In summary, the available evidence is currently insufficient to determine the role of this variant in disease. Therefore, it has been classified as a Variant of Uncertain Significance.

NM_001042492.3(NF1):c.6575A>G (p.Tyr2192Cys)

Gene: NF1 (neurofibromin 1; plus strand). Cytogenetic location: 17q11.2.
Variant type: single nucleotide variant.
Coding change: c.6575A>G on transcript NM_001042492.3 (MANE Select); coding-DNA position 6575, A replaced by G.
Protein change: p.Tyr2192Cys; replaces tyrosine 2192 with cysteine.
Molecular consequence: missense variant.
Genome position (GRCh38, 1-based): chr17:31,337,515, A>G. VCF-style: chr17-31337515-A-G. GRCh37 (hg19) VCF-style: chr17-29664533-A-G.
Other names: c.6512A>G, p.Tyr2171Cys (NM_000267.4); short protein forms Y2192C, Y2171C.
Identifiers: ClinVar variation 2153142 (VCV002153142.6), dbSNP rs1164251278, ClinGen allele CA399013310.